The following is an entry in ClinVar:

GRCh37/hg19 6q22.1-22.31(chr6:117746455-118649226)x1

Genes: ROS1 (ROS proto-oncogene 1, receptor tyrosine kinase; minus strand), SLC35F1 (solute carrier family 35 member F1; plus strand), DCBLD1 (discoidin, CUB and LCCL domain containing 1; plus strand), GOPC (golgi associated PDZ and coiled-coil motif containing; minus strand), NUS1 (NUS1 dehydrodolichyl diphosphate synthase subunit; plus strand). Cytogenetic location: 6q22.1-22.31.
Variant type: copy number loss.
Change: copy number 1 (one copy instead of two) of chr6:117,746,455-118,649,226 (902.8 kb, GRCh37 coordinates, 1-based), cytogenetic band 6q22.1-22.31.
Identifiers: ClinVar variation 685998 (VCV000685998.3).

ClinVar aggregate classification (germline): no classifications from unflagged records (0 of 4 stars; one submission).

Submission:

Bionano Laboratories
Classification: Uncertain significance. Last evaluated: 2018-01-25. Review status: flagged submission. Collection method: clinical testing. Allele origin: unknown.
ClinVar note: Notes: This submission was flagged because its interpretation of this variant conflicts with the ClinGen Gene Dosage Map curation for the gene NUS1.
ClinVar note: Reason: Conflict with ClinGen Gene Dosage Map